The following is an entry in ClinVar:

ClinVar aggregate classification (germline): Likely benign (1 of 4 stars; one submission).

Submission:

CeGaT Center for Human Genetics Tuebingen
Classification: Likely benign. Last evaluated: 2026-03-01. Review status: criteria provided, single submitter. Criteria: CeGaT Center For Human Genetics Tuebingen Variant Classification Criteria Version 2. Collection method: clinical testing. Allele origin: germline. Affected: yes. Observed: 1 variant allele.
Comment: RP1: BP4, BP7

NM_001375654.1(RP1):c.4083G>A (p.Lys1361=)

Gene: RP1 (RP1 axonemal microtubule associated; plus strand). Cytogenetic location: 8q12.1.
Variant type: single nucleotide variant.
Coding change: c.4083G>A on transcript NM_001375654.1; coding-DNA position 4083, G replaced by A.
Protein change: p.Lys1361=; no amino-acid change (lysine 1361 retained).
Molecular consequence: synonymous variant.
Genome position (GRCh38, 1-based): chr8:54,869,873, G>A. VCF-style: chr8-54869873-G-A. GRCh37 (hg19) VCF-style: chr8-55782433-G-A.
Identifiers: ClinVar variation 4823548 (VCV004823548.4).